The following is an entry in ClinVar:

ClinVar aggregate classification (germline): Uncertain significance (1 of 4 stars; one submission).

Submission:

GeneDx
Classification: Uncertain significance. Last evaluated: 2021-06-29. Review status: criteria provided, single submitter. Criteria: GeneDx Variant Classification Process June 2021. Collection method: clinical testing. Allele origin: germline. Affected: yes.
Comment: Not observed at significant frequency in large population cohorts (Lek et al., 2016); In silico analysis supports that this missense variant does not alter protein structure/function; Has not been previously published as pathogenic or benign to our knowledge; This variant is associated with the following publications: (PMID: 27535533)

NM_031844.3(HNRNPU):c.2351A>C (p.Gln784Pro)

Gene: HNRNPU (heterogeneous nuclear ribonucleoprotein U; minus strand). Cytogenetic location: 1q44.
Variant type: single nucleotide variant.
Coding change: c.2351A>C on transcript NM_031844.3 (MANE Select); coding-DNA position 2351, A replaced by C.
Protein change: p.Gln784Pro; replaces glutamine 784 with proline.
Molecular consequence: missense variant.
Genome position (GRCh38, 1-based): chr1:244,855,425, T>G on the plus strand (A>C on the coding strand, the complement: HNRNPU is on the minus strand). VCF-style: chr1-244855425-T-G. GRCh37 (hg19) VCF-style: chr1-245018727-T-G.
Other names: c.2294A>C, p.Gln765Pro (NM_004501.3); short protein forms Q765P, Q784P.
Identifiers: ClinVar variation 1331166 (VCV001331166.2), dbSNP rs2102984930, ClinGen allele CA345486796.